The following is an entry in ClinVar:

GRCh38/hg38 2p11.2(chr2:86797744-87705899)x3

Genes: CD8A (CD8 subunit alpha; minus strand), CD8B (CD8 subunit beta; minus strand), CYTOR (cytoskeleton regulator RNA; plus strand), LINC01943 (long intergenic non-protein coding RNA 1943; minus strand), MIR4435-1 (microRNA 4435-1; plus strand) and 11 more. Cytogenetic location: 2p11.2.
Variant type: copy number gain.
Change: copy number 3 (three copies instead of two) of chr2:86,797,744-87,705,899 (908.2 kb, GRCh38 coordinates, 1-based), cytogenetic band 2p11.2.
Identifiers: ClinVar variation 59790 (VCV000059790.1).

ClinVar aggregate classification (germline): Benign (1 of 4 stars; one submission).

Submission:

ISCA site 14
Classification: Benign. Last evaluated: 2011-08-12. Review status: criteria provided, single submitter. Criteria: Kaminsky et al. (Genet Med. 2011). Collection method: clinical testing. Allele origin: maternal. Affected: yes. Observed: 1 variant allele.
Comment: Copy number variation identified through the course of routine clinical cytogenomic testing in postnatal populations. Clinical assertions have been curated as described in Kaminsky et al. 2011.